The following is an entry in ClinVar:

NM_201384.3(PLEC):c.11656C>T (p.Arg3886Cys)

Gene: PLEC (plectin; minus strand). Cytogenetic location: 8q24.3.
Variant type: single nucleotide variant.
Coding change: c.11656C>T on transcript NM_201384.3 (MANE Select); coding-DNA position 11656, C replaced by T.
Protein change: p.Arg3886Cys; replaces arginine 3886 with cysteine.
Molecular consequence: missense variant.
Genome position (GRCh38, 1-based): chr8:143,918,165, G>A on the plus strand (C>T on the coding strand, the complement: PLEC is on the minus strand). VCF-style: chr8-143918165-G-A. GRCh37 (hg19) VCF-style: chr8-144992333-G-A.
Other names: c.11737C>T, p.Arg3913Cys (NM_000445.5); c.11614C>T, p.Arg3872Cys (NM_201378.4); c.11590C>T, p.Arg3864Cys (NM_201379.3); c.12067C>T, p.Arg4023Cys (NM_201380.4); c.11560C>T, p.Arg3854Cys (NM_201381.3); c.11656C>T, p.Arg3886Cys (NM_201382.4); c.11668C>T, p.Arg3890Cys (NM_201383.3); short protein forms R3854C, R3864C, R4023C, R3872C, R3886C, R3890C, R3913C.
Identifiers: ClinVar variation 1406754 (VCV001406754.10), dbSNP rs782736598, ClinGen allele CA4924278.

ClinVar aggregate classification (germline): Uncertain significance (1 of 4 stars; one submission).

Conditions:
Epidermolysis bullosa simplex 5C, with pyloric atresia (EBS5C). Also called: Epidermolysis bullosa simplex with pyloric atresia; PLEC-Related Epidermolysis Bullosa with Pyloric Atresia; PLEC1-Related Epidermolysis Bullosa with Pyloric Atresia. Identifiers: Orphanet 158684, MedGen C2677349, MONDO:0012807, OMIM 612138.
Epidermolysis bullosa simplex with nail dystrophy (EBS5D). Identifiers: MedGen C4225309, MONDO:0014661, OMIM 616487.
Epidermolysis bullosa simplex 5B, with muscular dystrophy (EBS5B). Also called: Epidermolysis bullosa simplex with muscular dystrophy; EPIDERMOLYSIS BULLOSA SIMPLEX AND LIMB-GIRDLE MUSCULAR DYSTROPHY. Identifiers: Orphanet 257, MedGen C2931072, MONDO:0009181, OMIM 226670.
Autosomal recessive limb-girdle muscular dystrophy type 2Q (LGMDR17). Also called: MUSCULAR DYSTROPHY, LIMB-GIRDLE, AUTOSOMAL RECESSIVE 17. Identifiers: Orphanet 254361, MedGen C3150989, MONDO:0013390, OMIM 613723.
Epidermolysis bullosa simplex, Ogna type (EBS5A). Also called: Pidermolysis bullosa simplex 5A, Ogna type; EPIDERMOLYSIS BULLOSA SIMPLEX 5A, OGNA TYPE. Identifiers: Orphanet 79401, MedGen C0432317, MONDO:0007555, OMIM 131950.

Allele frequency attached by ClinVar (database versions not stated): ExAC 0.00003; gnomAD exomes 0.00004; TOPMed 0.00005; gnomAD 0.00009.

Submission:

Labcorp Genetics (formerly Invitae), Labcorp
Classification: Uncertain significance for Autosomal recessive limb-girdle muscular dystrophy type 2Q; Epidermolysis bullosa simplex, Ogna type; Epidermolysis bullosa simplex with nail dystrophy; Epidermolysis bullosa simplex 5C, with pyloric atresia; Epidermolysis bullosa simplex 5B, with muscular dystrophy. Last evaluated: 2025-09-14. Review status: criteria provided, single submitter. Criteria: Invitae Variant Classification Sherloc (09022015). Collection method: clinical testing. Allele origin: germline.
Comment: This sequence change replaces arginine, which is basic and polar, with cysteine, which is neutral and slightly polar, at codon 3913 of the PLEC protein (p.Arg3913Cys). This variant is present in population databases (rs782736598, gnomAD 0.01%). This variant has not been reported in the literature in individuals affected with PLEC-related conditions. ClinVar contains an entry for this variant (Variation ID: 1406754). Invitae Evidence Modeling of protein sequence and biophysical properties (such as structural, functional, and spatial information, amino acid conservation, physicochemical variation, residue mobility, and thermodynamic stability) indicates that this missense variant is not expected to disrupt PLEC protein function with a negative predictive value of 80%. In summary, the available evidence is currently insufficient to determine the role of this variant in disease. Therefore, it has been classified as a Variant of Uncertain Significance.